The following is an entry in ClinVar:

ClinVar aggregate classification (germline): Likely pathogenic (1 of 4 stars; one submission).

Conditions:
Leukocyte adhesion deficiency 1 (LAD1). Also called: LAD 1; Lymphocyte function-associated antigen 1 immunodeficiency; LFA 1 immunodeficiency; LEUKOCYTE ADHESION DEFICIENCY, TYPE I. Identifiers: Orphanet 2968, Orphanet 99842, MedGen C0398738, MONDO:0007293, OMIM 116920.

Allele frequency attached by ClinVar (database versions not stated): gnomAD exomes below 0.00001.
gnomAD v4.1: 1 of 1,612,136 alleles (0.000062%); highest among the groups gnomAD compares: South Asian, 0.0011%; no homozygotes.

Submission:

Neuberg Centre For Genomic Medicine, NCGM
Classification: Likely pathogenic for Leukocyte adhesion deficiency 1. Review status: criteria provided, single submitter. Criteria: ACMG Guidelines, 2015. Collection method: clinical testing. Allele origin: germline. Affected: yes.
Comment: The splice acceptor variant c.994-1G>C in ITGB2 (NM_000211.5) has not been reported previously as a pathogenic variant nor as a benign variant, to our knowledge. The c.994-1G>C variant is observed in 1/30,616 (0.0033%) alleles from individuals of South Asian background in gnomAD Exomes and is novel (not in any individuals) in 1000 Genomes. This variant affects an invariant splice nucleotide and is predicted to cause loss of function. Loss of function variants have been previously reported to be disease causing. For these reasons, this variant has been classified as Likely Pathogenic

NM_000211.5(ITGB2):c.994-1G>C

Gene: ITGB2 (integrin subunit beta 2; minus strand). Cytogenetic location: 21q22.3.
Variant type: single nucleotide variant.
Coding change: c.994-1G>C on transcript NM_000211.5 (MANE Select); the canonical splice acceptor site of the intron before coding-DNA position 994, G replaced by C.
Molecular consequence: splice acceptor variant.
Genome position (GRCh38, 1-based): chr21:44,895,061, C>G on the plus strand (G>C on the coding strand, the complement: ITGB2 is on the minus strand). VCF-style: chr21-44895061-C-G. GRCh37 (hg19) VCF-style: chr21-46314976-C-G.
Other names: c.994-1G>C (NM_001127491.3); c.787-1G>C (NM_001303238.2).
Identifiers: ClinVar variation 1339025 (VCV001339025.2), dbSNP rs1293268696, ClinGen allele CA410486392.
Genomic context (GRCh38, chr21:44,895,061, plus strand): 5'-ATTGCTGGAGTCCTCAGACAGCTCCCCCACGGCTGACTTGGGGATGATCTCGGTGAGTTT[C>G]TGTTGGGCAAGAAGACCAGACATGGCACGGCTAGGACCTGTGCCACGGCATCTCCACGCA-3'